The following is an entry in ClinVar:

ClinVar aggregate classification (germline): Likely benign (0 of 4 stars; one submission).

Conditions:
EPPK1-related disorder. Also called: EPPK1-related condition.

Allele frequency attached by ClinVar (database versions not stated): gnomAD 0.00015; ESP Exome Variant Server 0.00016; 1000 Genomes Project 0.00020; ExAC 0.00021; TOPMed 0.00022; 1000 Genomes Project 30x 0.00031.

Submission:

PreventionGenetics, part of Exact Sciences
Classification: Likely benign for EPPK1-related condition. Last evaluated: 2021-08-08. Review status: no assertion criteria provided. Collection method: clinical testing. Allele origin: germline.
Comment: This variant is classified as likely benign based on ACMG/AMP sequence variant interpretation guidelines (Richards et al. 2015 PMID: 25741868, with internal and published modifications).

NM_031308.4(EPPK1):c.834G>A (p.Arg278=)

Gene: EPPK1 (epiplakin 1; minus strand). Cytogenetic location: 8q24.3.
Variant type: single nucleotide variant.
Coding change: c.834G>A on transcript NM_031308.4 (MANE Select); coding-DNA position 834, G replaced by A.
Protein change: p.Arg278=; no amino-acid change (arginine 278 retained).
Molecular consequence: synonymous variant.
Genome position (GRCh38, 1-based): chr8:143,872,420, C>T on the plus strand (G>A on the coding strand, the complement: EPPK1 is on the minus strand). VCF-style: chr8-143872420-C-T. GRCh37 (hg19) VCF-style: chr8-144946588-C-T.
Identifiers: ClinVar variation 3051770 (VCV003051770.2), dbSNP rs373854477, ClinGen allele CA4923517.